The following is an entry in ClinVar:

NM_001009999.3(KDM1A):c.466C>A (p.Pro156Thr)

Gene: KDM1A (lysine demethylase 1A; plus strand). Cytogenetic location: 1p36.12.
Variant type: single nucleotide variant.
Coding change: c.466C>A on transcript NM_001009999.3 (MANE Select); coding-DNA position 466, C replaced by A.
Protein change: p.Pro156Thr; replaces proline 156 with threonine.
Molecular consequence: missense variant.
Genome position (GRCh38, 1-based): chr1:23,030,583, C>A. VCF-style: chr1-23030583-C-A. GRCh37 (hg19) VCF-style: chr1-23357076-C-A.
Other names: c.466C>A, p.Pro156Thr (NM_001363654.2, NM_001410762.1, NM_001410763.1 and 1 more transcripts); short protein forms P156T.
Identifiers: ClinVar variation 4622740 (VCV004622740.1).

ClinVar aggregate classification (germline): Uncertain significance (1 of 4 stars; one submission).

Conditions:
Inborn genetic diseases. Identifiers: MedGen C0950123, MeSH D030342.

Submission:

Ambry Genetics
Classification: Uncertain significance for Inborn genetic diseases. Last evaluated: 2025-12-07. Review status: criteria provided, single submitter. Criteria: Ambry Variant Classification Scheme 2023. Collection method: clinical testing. Allele origin: germline.
Comment: The p.P156T variant (also known as c.466C>A), located in coding exon 2 of the KDM1A gene, results from a C to A substitution at nucleotide position 466. The proline at codon 156 is replaced by threonine, an amino acid with highly similar properties. This amino acid position is conserved. In addition, this alteration is predicted to be tolerated by in silico analysis. Based on the available evidence, the clinical significance of this variant remains unclear.